The following is an entry in ClinVar:

ClinVar aggregate classification (germline): Likely pathogenic (1 of 4 stars; one submission).

Conditions:
Landau-Kleffner syndrome (FESD). Also called: EPILEPSY, FOCAL, WITH SPEECH DISORDER AND WITH OR WITHOUT MENTAL RETARDATION; APHASIA, ACQUIRED, WITH EPILEPSY. Identifiers: Orphanet 1945, Orphanet 725, Orphanet 98818, MedGen C0282512, MONDO:0009509, OMIM 245570.

Submission:

Institute of Human Genetics, University of Leipzig Medical Center
Classification: Likely pathogenic for Landau-Kleffner syndrome. Last evaluated: 2020-11-16. Review status: criteria provided, single submitter. Criteria: ACMG Guidelines, 2015. Collection method: clinical testing. Allele origin: de novo. Inheritance: Autosomal dominant inheritance. Affected: yes.
Comment: We identified the variant c.2077A>G, p.Asn693Asp in the gene GRIN2A in heterozygous state. It is not yet described in the databases for disease-causing changes (HGMD, ClinVar, DECIPHER) and in the literature and is located in a mutational hot spot. The variant allele was not identified in control chromosomes (gnomAD). The in silico tools we use mostly assess the change as pathogenic. Based on the evidence outlined above, the variant was classified as likely pathogenic according to the ACMG classification system (Richards et al., 2015, PMID: 25741868). PS2_Moderate, PM1, PM2, PP3

NM_001134407.3(GRIN2A):c.2077A>G (p.Asn693Asp)

Gene: GRIN2A (glutamate ionotropic receptor NMDA type subunit 2A; minus strand). Cytogenetic location: 16p13.2.
Variant type: single nucleotide variant.
Coding change: c.2077A>G on transcript NM_001134407.3 (MANE Select); coding-DNA position 2077, A replaced by G.
Protein change: p.Asn693Asp; replaces asparagine 693 with aspartic acid.
Molecular consequence: missense variant.
Genome position (GRCh38, 1-based): chr16:9,822,355, T>C on the plus strand (A>G on the coding strand, the complement: GRIN2A is on the minus strand). VCF-style: chr16-9822355-T-C. GRCh37 (hg19) VCF-style: chr16-9916212-T-C.
Other names: c.2077A>G, p.Asn693Asp (NM_000833.5, NM_001134408.2); short protein forms N693D.
Identifiers: ClinVar variation 995988 (VCV000995988.2), dbSNP rs2042303226, ClinGen allele CA394797860.